The following is an entry in ClinVar:

NM_001009944.3(PKD1):c.8756G>A (p.Gly2919Glu)

Gene: PKD1 (polycystin 1, transient receptor potential channel interacting; minus strand). Cytogenetic location: 16p13.3.
Variant type: single nucleotide variant.
Coding change: c.8756G>A on transcript NM_001009944.3 (MANE Select); coding-DNA position 8756, G replaced by A.
Protein change: p.Gly2919Glu; replaces glycine 2919 with glutamic acid.
Molecular consequence: missense variant.
Genome position (GRCh38, 1-based): chr16:2,103,301, C>T on the plus strand (G>A on the coding strand, the complement: PKD1 is on the minus strand). VCF-style: chr16-2103301-C-T. GRCh37 (hg19) VCF-style: chr16-2153302-C-T.
Other names: c.8756G>A, p.Gly2919Glu (NM_000296.4); short protein forms G2919E.
Identifiers: ClinVar variation 1805005 (VCV001805005.6), dbSNP rs1555450923, ClinGen allele CA394362126.

ClinVar aggregate classification (germline): Uncertain significance. Review status: criteria provided, multiple submitters, no conflicts (2 of 4 stars). 5 submissions from 5 submitters: Uncertain significance (5). Last evaluated 2026-06-24.

Conditions:
Polycystic kidney disease, adult type (PKD1). Also called: Polycystic Kidney, Autosomal Dominant; POLYCYSTIC KIDNEY DISEASE, ADULT, TYPE I; Polycystic Kidney Disease 1, Autosomal Dominant; Polycystic kidney disease 1; Polycystic kidney disease 1, severe; POLYCYSTIC KIDNEY DISEASE 1 WITH OR WITHOUT POLYCYSTIC LIVER DISEASE. Identifiers: MedGen C3149841, MONDO:0008263, OMIM 173900.

Submissions (5):

Women's Health and Genetics/Laboratory Corporation of America, LabCorp
Classification: Uncertain significance. Last evaluated: 2026-06-24. Review status: criteria provided, single submitter. Criteria: LabCorp Variant Classification Summary - May 2015. Collection method: clinical testing. Allele origin: germline.
Comment: Variant summary: PKD1 c.8756G>A (p.Gly2919Glu) results in a non-conservative amino acid change in the encoded protein sequence. Algorithms developed to predict the effect of missense changes on protein structure and function are either unavailable or do not agree on the potential impact of this missense change. The variant was absent in 242240 control chromosomes. The available data on variant occurrences in the general population are insufficient to allow any conclusion about variant significance. To our knowledge, no occurrence of c.8756G>A in individuals affected with PKD1-related conditions and no experimental evidence demonstrating its impact on protein function have been reported. ClinVar contains an entry for this variant (Variation ID: 1805005). Based on the evidence outlined above, the variant was classified as uncertain significance.

GeneDx
Classification: Uncertain significance. Last evaluated: 2023-11-08. Review status: criteria provided, single submitter. Criteria: GeneDx Variant Classification Process June 2021. Collection method: clinical testing. Allele origin: germline. Affected: yes.
Comment: Not observed at significant frequency in large population cohorts (gnomAD); In silico analysis supports that this missense variant has a deleterious effect on protein structure/function; Has not been previously published as pathogenic or benign to our knowledge; This variant is associated with the following publications: (PMID: 22383692)

Department of Pathology and Laboratory Medicine, Sinai Health System
Classification: Uncertain significance for Polycystic kidney disease, adult type. Last evaluated: 2022-12-16. Review status: criteria provided, single submitter. Criteria: ACMG Guidelines, 2015. Collection method: clinical testing. Allele origin: germline. Affected: yes.

Victorian Clinical Genetics Services, Murdoch Childrens Research Institute
Classification: Uncertain significance for Polycystic kidney disease, adult type. Last evaluated: 2020-07-02. Review status: criteria provided, single submitter. Criteria: ACMG Guidelines, 2015. Collection method: clinical testing. Allele origin: germline. Inheritance: Autosomal dominant inheritance. Affected: yes.
Comment: Based on the classification scheme VCGS_Germline_v1.3.3, this variant is classified as 3B-VUS. Following criteria are met: 0102 - Loss of function is a known mechanism of disease in this gene and is associated with polycystic kidney disease 1 (OMIM). (I) 0107 - This gene is associated with autosomal dominant disease predominantly caused by monoallelic variants, with rare reports of biallelic variants causing disease. (I) 0200 - Variant is predicted to result in a missense amino acid change from glycine to glutamic acid. (I) 0251 - This variant is heterozygous. (I) 0301 - Variant is absent from gnomAD (both v2 and v3). (SP) 0309 - An alternative amino acid change at the same position has been observed in gnomAD v2 (p.Gly2919Arg) (39 heterozygotes, 0 homozygotes). (I) 0502 - Missense variant with conflicting in silico predictions and uninformative conservation. (I) 0604 - Variant is not located in an established domain, motif, hotspot or informative constraint region. (I) 0708 - Other missense variants comparable to the one identified in this case have conflicting previous evidence for pathogenicity. The p.Gly2919Arg missense variant has been classified as a variant of uncertain significance and reported as a polymorphic variant while the p.Gly2919Val missense variant has been classified as likely pathogenic (PKD mutation database; PMID: 22383692). (I) 0807 - This variant has no previous evidence of pathogenicity. (I) 0905 - No published segregation evidence has been identified for this variant. (I) 1007 - No published functional evidence has been identified for this variant. (I) 1208 - Inheritance information for this variant is not currently available in this individual. (I) Legend: (SP) - Supporting pathogenic, (I) - Information, (SB) - Supporting benign

Juno Genomics, Hangzhou Juno Genomics, Inc
Classification: Uncertain significance for Polycystic kidney disease, adult type. Review status: criteria provided, single submitter. Criteria: ACMG Guidelines, 2015. Collection method: clinical testing. Allele origin: germline. Affected: yes.
Comment: Absent from controls (or at extremely low frequency if recessive) in Genome Aggregation Database, Exome Sequencing Project, 1000 Genomes Project, or Exome Aggregation Consortium.;The prevalence of the variant in affected individuals is significantly increased compared to the prevalence in controls.;Patient's phenotype or family history is highly specific for a disease with a single genetic etiology.

Literature cited by the submitters: PubMed 22383692 (cited by Victorian Clinical Genetics Services, Murdoch Childrens Research Institute).